The following is an entry in ClinVar:

ClinVar aggregate classification (germline): Uncertain significance. Review status: criteria provided, multiple submitters, no conflicts (2 of 4 stars). 2 submissions from 2 submitters: Uncertain significance (2). Last evaluated 2024-05-10.

Conditions:
Inborn genetic diseases. Identifiers: MedGen C0950123, MeSH D030342.

Allele frequency attached by ClinVar (database versions not stated): gnomAD exomes 0.00001; ExAC 0.00002; gnomAD 0.00003; TOPMed 0.00005.
gnomAD v4.1: 8 of 1,614,024 alleles (0.0005%); highest among the groups gnomAD compares: African/African-American, 0.0093%; no homozygotes.

Submissions (2):

Ambry Genetics
Classification: Uncertain significance for Inborn genetic diseases. Last evaluated: 2024-05-10. Review status: criteria provided, single submitter. Criteria: Ambry Variant Classification Scheme 2023. Collection method: clinical testing. Allele origin: germline.

Labcorp Genetics (formerly Invitae), Labcorp
Classification: Uncertain significance. Last evaluated: 2023-12-28. Review status: criteria provided, single submitter. Criteria: Invitae Variant Classification Sherloc (09022015). Collection method: clinical testing. Allele origin: germline.
Comment: This sequence change replaces serine, which is neutral and polar, with arginine, which is basic and polar, at codon 305 of the LPIN1 protein (p.Ser305Arg). This variant is present in population databases (rs763271063, gnomAD 0.02%). This variant has not been reported in the literature in individuals affected with LPIN1-related conditions. Advanced modeling of protein sequence and biophysical properties (such as structural, functional, and spatial information, amino acid conservation, physicochemical variation, residue mobility, and thermodynamic stability) performed at Invitae indicates that this missense variant is not expected to disrupt LPIN1 protein function with a negative predictive value of 80%. In summary, the available evidence is currently insufficient to determine the role of this variant in disease. Therefore, it has been classified as a Variant of Uncertain Significance.

NM_001349206.2(LPIN1):c.1023T>G (p.Ser341Arg)

Gene: LPIN1 (lipin 1; plus strand). Cytogenetic location: 2p25.1.
Variant type: single nucleotide variant.
Coding change: c.1023T>G on transcript NM_001349206.2 (MANE Select); coding-DNA position 1023, T replaced by G.
Protein change: p.Ser341Arg; replaces serine 341 with arginine.
Molecular consequence: missense variant. On other transcripts: non-coding transcript variant (1).
Genome position (GRCh38, 1-based): chr2:11,782,266, T>G. VCF-style: chr2-11782266-T-G. GRCh37 (hg19) VCF-style: chr2-11922392-T-G.
Other names: c.915T>G (NM_145693.1); c.933T>G, p.Ser311Arg (NM_001261427.3); c.1170T>G, p.Ser390Arg (NM_001261428.3); c.915T>G, p.Ser305Arg (NM_001349199.2, NM_001349200.2, NM_001349201.2 and 1 more transcripts); c.1020T>G, p.Ser340Arg (NM_001349202.2, NM_001349203.2); c.1023T>G, p.Ser341Arg (NM_001349204.2, NM_001349205.2); c.1113T>G, p.Ser371Arg (NM_001349207.2); c.1062T>G, p.Ser354Arg (NM_001349208.2); short protein forms S354R, S371R, S340R, S341R, S305R, S311R, S390R.
Identifiers: ClinVar variation 2720742 (VCV002720742.4), dbSNP rs763271063, ClinGen allele CA1533581.